The following is an entry in ClinVar:

NM_003632.3(CNTNAP1):c.4026C>T (p.Val1342=)

Genes: CNTNAP1 (contactin associated protein 1; plus strand), LOC128669077 (EZH1 +46 kb erythroid enhancer; plus strand). Cytogenetic location: 17q21.2.
Variant type: single nucleotide variant.
Coding change: c.4026C>T on transcript NM_003632.3 (MANE Select); coding-DNA position 4026, C replaced by T.
Protein change: p.Val1342=; no amino-acid change (valine 1342 retained).
Molecular consequence: synonymous variant.
Genome position (GRCh38, 1-based): chr17:42,698,781, C>T. VCF-style: chr17-42698781-C-T. GRCh37 (hg19) VCF-style: chr17-40850799-C-T.
Other names: c.4026C>T (NM_003632.2).
Identifiers: ClinVar variation 1674655 (VCV001674655.33), dbSNP rs199866646, ClinGen allele CA8582516.

ClinVar aggregate classification (germline): Likely benign. Review status: criteria provided, multiple submitters, no conflicts (2 of 4 stars). 3 submissions from 3 submitters: Likely benign (2). 1 of the submissions does not count toward it. Last evaluated 2025-12-02.

Conditions:
CNTNAP1-related disorder. Also called: CNTNAP1-related condition; CNTNAP1-related disease.

Allele frequency attached by ClinVar (database versions not stated): ESP Exome Variant Server 0.00015; 1000 Genomes Project 30x 0.00016; gnomAD exomes 0.00016; 1000 Genomes Project 0.00020.
gnomAD v4.1: 305 of 1,612,054 alleles (0.019%); highest among the groups gnomAD compares: Non-Finnish European, 0.024%; no homozygotes.

Submissions (3):

Labcorp Genetics (formerly Invitae), Labcorp
Classification: Likely benign. Last evaluated: 2025-12-02. Review status: criteria provided, single submitter. Criteria: Invitae Variant Classification Sherloc (09022015). Collection method: clinical testing. Allele origin: germline.

CeGaT Center for Human Genetics Tuebingen
Classification: Likely benign. Last evaluated: 2023-07-01. Review status: criteria provided, single submitter. Criteria: CeGaT Center For Human Genetics Tuebingen Variant Classification Criteria Version 2. Collection method: clinical testing. Allele origin: germline. Affected: yes. Observed: 2 variant alleles.
Comment: CNTNAP1: BP4, BP7

PreventionGenetics, part of Exact Sciences
Classification: Likely benign for CNTNAP1-related condition. Last evaluated: 2019-06-04. Review status: no assertion criteria provided. Collection method: clinical testing. Allele origin: germline. Not counted in ClinVar's aggregate classification.
Comment: This variant is classified as likely benign based on ACMG/AMP sequence variant interpretation guidelines (Richards et al. 2015 PMID: 25741868, with internal and published modifications).